The following is an entry in ClinVar:

ClinVar aggregate classification (germline): Uncertain significance (1 of 4 stars; one submission).

Conditions:
Inborn genetic diseases. Identifiers: MedGen C0950123, MeSH D030342.

Submission:

Ambry Genetics
Classification: Uncertain significance for Inborn genetic diseases. Last evaluated: 2025-08-05. Review status: criteria provided, single submitter. Criteria: Ambry Variant Classification Scheme 2023. Collection method: clinical testing. Allele origin: germline.
Comment: The p.N593S variant (also known as c.1778A>G), located in coding exon 16 of the KDM1A gene, results from an A to G substitution at nucleotide position 1778. The asparagine at codon 593 is replaced by serine, an amino acid with highly similar properties. This amino acid position is conserved. In addition, this alteration is predicted to be tolerated by in silico analysis. Based on the available evidence, the clinical significance of this variant remains unclear.

NM_001009999.3(KDM1A):c.1778A>G (p.Asn593Ser)

Gene: KDM1A (lysine demethylase 1A; plus strand). Cytogenetic location: 1p36.12.
Variant type: single nucleotide variant.
Coding change: c.1778A>G on transcript NM_001009999.3 (MANE Select); coding-DNA position 1778, A replaced by G.
Protein change: p.Asn593Ser; replaces asparagine 593 with serine.
Molecular consequence: missense variant.
Genome position (GRCh38, 1-based): chr1:23,077,271, A>G. VCF-style: chr1-23077271-A-G. GRCh37 (hg19) VCF-style: chr1-23403764-A-G.
Other names: c.1724A>G, p.Asn575Ser (NM_001363654.2); c.1784A>G, p.Asn595Ser (NM_001410762.1); c.1706A>G, p.Asn569Ser (NM_001410763.1, NM_015013.4); short protein forms N595S, N569S, N575S, N593S.
Identifiers: ClinVar variation 4091088 (VCV004091088.1).